The following is an entry in ClinVar:

ClinVar aggregate classification (germline): Uncertain significance (1 of 4 stars; one submission).

Conditions:
3-methylglutaconic aciduria, type VIIB (MGCA7B). Also called: CLPB Deficiency; 3-methylglutaconic aciduria with cataracts, neurologic involvement and neutropenia; 3-methylglutaconic aciduria, type VII, with cataracts, neurologic involvement and neutropenia. Identifiers: Orphanet 445038, MedGen C5676893, MONDO:0014561, OMIM 616271.

Submission:

Labcorp Genetics (formerly Invitae), Labcorp
Classification: Uncertain significance for 3-methylglutaconic aciduria, type VIIB. Last evaluated: 2022-10-27. Review status: criteria provided, single submitter. Criteria: Invitae Variant Classification Sherloc (09022015). Collection method: clinical testing. Allele origin: germline.
Comment: Algorithms developed to predict the effect of missense changes on protein structure and function (SIFT, PolyPhen-2, Align-GVGD) all suggest that this variant is likely to be tolerated. In summary, the available evidence is currently insufficient to determine the role of this variant in disease. Therefore, it has been classified as a Variant of Uncertain Significance. This variant has not been reported in the literature in individuals affected with CLPB-related conditions. This variant is not present in population databases (gnomAD no frequency). This sequence change replaces asparagine, which is neutral and polar, with aspartic acid, which is acidic and polar, at codon 614 of the CLPB protein (p.Asn614Asp).

NM_001258392.3(CLPB):c.1750A>G (p.Asn584Asp)

Gene: CLPB (ClpB family mitochondrial disaggregase; minus strand). Cytogenetic location: 11q13.4.
Variant type: single nucleotide variant.
Coding change: c.1750A>G on transcript NM_001258392.3 (MANE Select); coding-DNA position 1750, A replaced by G.
Protein change: p.Asn584Asp; replaces asparagine 584 with aspartic acid.
Molecular consequence: missense variant.
Genome position (GRCh38, 1-based): chr11:72,294,057, T>C on the plus strand (A>G on the coding strand, the complement: CLPB is on the minus strand). VCF-style: chr11-72294057-T-C. GRCh37 (hg19) VCF-style: chr11-72005101-T-C.
Other names: c.1663A>G, p.Asn555Asp (NM_001258393.3); c.1705A>G, p.Asn569Asp (NM_001258394.3); c.1840A>G, p.Asn614Asp (NM_030813.6); short protein forms N569D, N555D, N584D, N614D.
Identifiers: ClinVar variation 2810270 (VCV002810270.3), dbSNP rs2539316252, ClinGen allele CA381725477.
Genomic context (GRCh38, chr11:72,294,057, plus strand): 5'-TCATTTCTCAGGCTCCTGTGCTCACCTCATGTTTGATGGAGCGGGCGCCATAGTGCACAT[T>C]GTAGCCGTCGACCAGCACATCTGCCACCTCGCGGTCCCAGAGCAGCGTGATGTTGTGCCT-3'
Protein context (NP_001245321.1, residues 574-594): EVADVLVDGY[Asn584Asp]VHYGARSIKH